The following is an entry in ClinVar:

NM_007327.4(GRIN1):c.2589G>A (p.Gln863=)

Gene: GRIN1 (glutamate ionotropic receptor NMDA type subunit 1; plus strand). Cytogenetic location: 9q34.3.
Variant type: single nucleotide variant.
Coding change: c.2589G>A on transcript NM_007327.4 (MANE Select); coding-DNA position 2589, G replaced by A.
Protein change: p.Gln863=; no amino-acid change (glutamine 863 retained).
Molecular consequence: synonymous variant.
Genome position (GRCh38, 1-based): chr9:137,163,904, G>A. VCF-style: chr9-137163904-G-A. GRCh37 (hg19) VCF-style: chr9-140058356-G-A.
Other names: c.2589G>A, p.Gln863= (NM_000832.7, NM_021569.4); c.2652G>A, p.Gln884= (NM_001185090.2, NM_001185091.2).
Identifiers: ClinVar variation 3650191 (VCV003650191.2).
Genomic context (GRCh38, chr9:137,163,904, plus strand): 5'-TCGCCGGAAGCAGATGCAGCTGGCCTTTGCCGCCGTTAACGTGTGGCGGAAGAACCTGCA[G>A]GTAGGGCAGGCCACCCTCCGAGGCCTGGTGCCCAGGGCCCGGCCTGGCCACGGCCCTCCT-3'
Protein context (NP_015566.1, residues 853-873): AAVNVWRKNL[Gln863=]DRKSGRAEPD

ClinVar aggregate classification (germline): Uncertain significance (1 of 4 stars; one submission).

Conditions:
Neurodevelopmental disorder with or without hyperkinetic movements and seizures, autosomal dominant. Also called: Intellectual disability, autosomal dominant 8. Identifiers: MedGen C3280282, MONDO:0013655, OMIM 614254.

gnomAD v4.1: 1 of 1,612,528 alleles (0.000062%); highest among the groups gnomAD compares: Non-Finnish European, 0.000085%; no homozygotes.

Submission:

Labcorp Genetics (formerly Invitae), Labcorp
Classification: Uncertain significance for Neurodevelopmental disorder with or without hyperkinetic movements and seizures, autosomal dominant. Last evaluated: 2024-06-22. Review status: criteria provided, single submitter. Criteria: Invitae Variant Classification Sherloc (09022015). Collection method: clinical testing. Allele origin: germline.
Comment: This sequence change affects codon 863 of the GRIN1 mRNA. It is a 'silent' change, meaning that it does not change the encoded amino acid sequence of the GRIN1 protein. This variant also falls at the last nucleotide of exon 18, which is part of the consensus splice site for this exon. This variant is not present in population databases (gnomAD no frequency). This variant has not been reported in the literature in individuals affected with GRIN1-related conditions. Variants that disrupt the consensus splice site are a relatively common cause of aberrant splicing (PMID: 17576681, 9536098). Algorithms developed to predict the effect of sequence changes on RNA splicing suggest that this variant may disrupt the consensus splice site. In summary, the available evidence is currently insufficient to determine the role of this variant in disease. Therefore, it has been classified as a Variant of Uncertain Significance.

Literature cited by the submitters: PubMed 17576681; PubMed 9536098.